The following is an entry in ClinVar:

ClinVar aggregate classification (germline): Uncertain significance (1 of 4 stars; one submission).

Conditions:
PKD1L1-related disorder. Also called: PKD1L1-related condition.

gnomAD v4.1: 7 of 1,613,922 alleles (0.00043%); highest among the groups gnomAD compares: African/African-American, 0.0053%; no homozygotes.

Submission:

PreventionGenetics, part of Exact Sciences
Classification: Uncertain significance for PKD1L1-related condition. Last evaluated: 2024-12-03. Review status: criteria provided, single submitter. Criteria: ACMG Guidelines, 2015. Collection method: clinical testing. Allele origin: germline.
Comment: The PKD1L1 c.1246A>C variant is predicted to result in the amino acid substitution p.Lys416Gln. To our knowledge, this variant has not been reported in the literature or in a large population database (gnomAD), indicating this variant is rare. At this time, the clinical significance of this variant is uncertain due to the absence of conclusive functional and genetic evidence.

NM_138295.5(PKD1L1):c.1246A>C (p.Lys416Gln)

Gene: PKD1L1 (polycystin 1 like 1, transient receptor potential channel interacting; minus strand). Cytogenetic location: 7p12.3.
Variant type: single nucleotide variant.
Coding change: c.1246A>C on transcript NM_138295.5 (MANE Select); coding-DNA position 1246, A replaced by C.
Protein change: p.Lys416Gln; replaces lysine 416 with glutamine.
Molecular consequence: missense variant.
Genome position (GRCh38, 1-based): chr7:47,908,233, T>G on the plus strand (A>C on the coding strand, the complement: PKD1L1 is on the minus strand). VCF-style: chr7-47908233-T-G. GRCh37 (hg19) VCF-style: chr7-47947830-T-G.
Other names: short protein forms K416Q.
Identifiers: ClinVar variation 4979248 (VCV004979248.1).